The following is an entry in ClinVar:

NM_004187.5(KDM5C):c.755C>G (p.Ala252Gly)

Gene: KDM5C (lysine demethylase 5C; minus strand). Cytogenetic location: Xp11.22.
Variant type: single nucleotide variant.
Coding change: c.755C>G on transcript NM_004187.5 (MANE Select); coding-DNA position 755, C replaced by G.
Protein change: p.Ala252Gly; replaces alanine 252 with glycine.
Molecular consequence: missense variant. On other transcripts: non-coding transcript variant (3).
Genome position (GRCh38, 1-based): chrX:53,216,100, G>C on the plus strand (C>G on the coding strand, the complement: KDM5C is on the minus strand). VCF-style: chrX-53216100-G-C. GRCh37 (hg19) VCF-style: chrX-53245282-G-C.
Other names: c.554C>G, p.Ala185Gly (NM_001146702.2); c.752C>G, p.Ala251Gly (NM_001282622.3, NM_001353979.2, NM_001353982.2); c.755C>G, p.Ala252Gly (NM_001353978.3, NM_001353981.2, NM_001353984.2); short protein forms A185G, A251G, A252G.
Identifiers: ClinVar variation 1313276 (VCV001313276.2), dbSNP rs2146941083, ClinGen allele CA413133403.

ClinVar aggregate classification (germline): Uncertain significance (1 of 4 stars; one submission).

Submission:

GeneDx
Classification: Uncertain significance. Last evaluated: 2020-10-19. Review status: criteria provided, single submitter. Criteria: GeneDx Variant Classification Process June 2021. Collection method: clinical testing. Allele origin: germline. Affected: yes.
Comment: Not observed in large population cohorts (Lek et al., 2016); In silico analysis supports that this missense variant does not alter protein structure/function; Has not been previously published as pathogenic or benign to our knowledge